The following is an entry in ClinVar:

ClinVar aggregate classification (germline): Uncertain significance (1 of 4 stars; one submission).

Conditions:
Inborn genetic diseases. Identifiers: MedGen C0950123, MeSH D030342.

Submission:

Ambry Genetics
Classification: Uncertain significance for Inborn genetic diseases. Last evaluated: 2025-07-22. Review status: criteria provided, single submitter. Criteria: Ambry Variant Classification Scheme 2023. Collection method: clinical testing. Allele origin: germline.
Comment: The p.I475V variant (also known as c.1423A>G), located in coding exon 9 of the ERCC6L2 gene, results from an A to G substitution at nucleotide position 1423. The isoleucine at codon 475 is replaced by valine, an amino acid with highly similar properties. This amino acid position is conserved. In addition, this alteration is predicted to be tolerated by in silico analysis. Based on the available evidence, the clinical significance of this variant remains unclear.

NM_020207.7(ERCC6L2):c.1423A>G (p.Ile475Val)

Gene: ERCC6L2 (ERCC excision repair 6 like 2; plus strand). Cytogenetic location: 9q22.32.
Variant type: single nucleotide variant.
Coding change: c.1423A>G on transcript NM_020207.7 (MANE Select); coding-DNA position 1423, A replaced by G.
Protein change: p.Ile475Val; replaces isoleucine 475 with valine.
Molecular consequence: missense variant. On other transcripts: non-coding transcript variant (1).
Genome position (GRCh38, 1-based): chr9:95,923,269, A>G. VCF-style: chr9-95923269-A-G. GRCh37 (hg19) VCF-style: chr9-98685551-A-G.
Other names: c.1423A>G, p.Ile475Val (NM_001010895.4, NM_001375291.1, NM_001375292.1 and 2 more transcripts); short protein forms I475V.
Identifiers: ClinVar variation 4250593 (VCV004250593.1).
Genomic context (GRCh38, chr9:95,923,269, plus strand): 5'-GTTTGAATGTGTTAAGTGGAAATATCTTTTCTTCTGCCTTTTCCCTTCAAGGAAACACTT[A>G]TCAAAAGGATATGTGATCAGGTATTTTCCAGATTCCCAGATTTTGTGCAGAAAAGCAAAG-3'
Protein context (NP_064592.3, residues 465-485): ASTSKQQETL[Ile475Val]KRICDQVFSR